The following is an entry in ClinVar:

ClinVar aggregate classification (germline): Benign. Review status: criteria provided, multiple submitters, no conflicts (2 of 4 stars). 3 submissions from 3 submitters: Benign (2). 1 of the submissions does not count toward it. Last evaluated 2018-07-16.

Conditions:
MFHAS1-related disorder. Also called: MFHAS1-related condition.

Allele frequency attached by ClinVar (database versions not stated): gnomAD exomes 0.00100 and 0.00242; ExAC 0.00531; 1000 Genomes Project 0.00919; gnomAD 0.00955 and 0.01036; ESP Exome Variant Server 0.01006; TOPMed 0.01084; 1000 Genomes Project 30x 0.01093.
gnomAD v4.1: 2,954 of 1,592,954 alleles (0.19%); highest among the groups gnomAD compares: African/African-American, 3.5%; 53 homozygotes.

Submissions (6):

Labcorp Genetics (formerly Invitae), Labcorp
Classification: Benign. Last evaluated: 2018-07-16. Review status: criteria provided, single submitter. Criteria: Invitae Variant Classification Sherloc (09022015). Collection method: clinical testing. Allele origin: germline.

Breakthrough Genomics
Classification: Benign. Review status: criteria provided, single submitter. Criteria: ACMG Guidelines, 2015. Collection method: not provided. Allele origin: germline. Inheritance: Unknown mechanism. Affected: yes.

PreventionGenetics, part of Exact Sciences
Classification: Benign for MFHAS1-related condition. Last evaluated: 2019-03-21. Review status: no assertion criteria provided. Collection method: clinical testing. Allele origin: germline. Not counted in ClinVar's aggregate classification.
Comment: This variant is classified as benign based on ACMG/AMP sequence variant interpretation guidelines (Richards et al. 2015 PMID: 25741868, with internal and published modifications).

Dr. Peter K. Rogan Lab, Western University
No classification provided (evidence only). Condition: Clear cell carcinoma of kidney. Review status: no classification provided. Collection method: in vitro. Allele origin: not applicable. Functional consequence: retained intron. Not counted in ClinVar's aggregate classification.

Dr. Peter K. Rogan Lab, Western University
No classification provided (evidence only). Condition: Acute myeloid leukemia. Review status: no classification provided. Collection method: in vitro. Allele origin: not applicable. Functional consequence: retained intron. Not counted in ClinVar's aggregate classification.

Dr. Peter K. Rogan Lab, Western University
No classification provided (evidence only). Condition: Ovarian serous cystadenocarcinoma. Review status: no classification provided. Collection method: in vitro. Allele origin: not applicable. Functional consequence: retained intron. Not counted in ClinVar's aggregate classification.

NM_004225.3(MFHAS1):c.236C>G (p.Pro79Arg)

Gene: MFHAS1 (multifunctional ROCO family signaling regulator 1). Cytogenetic location: 8p23.1.
Variant type: single nucleotide variant.
Coding change: c.236C>G on transcript NM_004225.3 (MANE Select); coding-DNA position 236, C replaced by G.
Protein change: p.Pro79Arg; replaces proline 79 with arginine.
Molecular consequence: missense variant.
Genome position (GRCh38, 1-based): chr8:8,892,823, G>C on the plus strand (C>G on the coding strand, the complement: MFHAS1 is on the minus strand). VCF-style: chr8-8892823-G-C. GRCh37 (hg19) VCF-style: chr8-8750333-G-C.
Other names: NC_000008.10:g.8750333G>C; short protein forms P79R.
Identifiers: ClinVar variation 776284 (VCV000776284.7), dbSNP rs115597655, ClinGen allele CA4619556.
Genomic context (GRCh38, chr8:8,892,823, plus strand): 5'-AAGCGGTTCCTGCGCAGGACCAGGACGCGCAGGCTGCCCAGCGCCGACCCCAGCCCCTCG[G>C]GTACCTCCTCCAGGCCGTTGTTCCCCAGGTTCAGTGCCTCAATGTCCCCGAGGTTGGCCG-3'
Protein context (NP_004216.2, residues 69-89): NLGNNGLEEV[Pro79Arg]EGLGSALGSL